The following is an entry in ClinVar:

NM_015272.5(RPGRIP1L):c.1329dup (p.Arg444fs)

Gene: RPGRIP1L (RPGRIP1 like; minus strand). Cytogenetic location: 16q12.2.
Variant type: Duplication.
Coding change: c.1329dup on transcript NM_015272.5 (MANE Select); coding-DNA position 1329, one base duplicated (A; older notation c.1329dupA).
Protein change: p.Arg444fs; shifts the reading frame from arginine 444.
Molecular consequence: frameshift variant.
Genome position (GRCh38, 1-based): chr16:53,658,793, T duplicated on the plus strand (A on the coding strand, the reverse complement: RPGRIP1L is on the minus strand); the first of 6 consecutive T bases (chr16:53,658,793-53,658,798); duplicating any one gives the same sequence. VCF-style (leftmost placement, unchanged base first): chr16-53658792-G-GT. GRCh37 (hg19) VCF-style: chr16-53692704-G-GT.
Other names: c.1329dup, p.Arg444fs (NM_001127897.4, NM_001308334.3, NM_001330538.2); c.1329dupA (NM_015272.4); short protein forms R444fs.
Identifiers: ClinVar variation 569914 (VCV000569914.13), dbSNP rs749987648, ClinGen allele CA281347839.
Genomic context (GRCh38, chr16:53,658,792, plus strand): 5'-AAATTCTGAGTTTTATTTCTTAAATAAGGAAATAATTCACCTGGTTGTACAATTTTATGC[G>GT]TTTTTTAAGTTCATCAAGTTGTTGCTTTTGTTCCAGATACTGTAACTGTAGTTCTCTATT-3'

ClinVar aggregate classification (germline): Pathogenic/Likely pathogenic. Review status: criteria provided, multiple submitters, no conflicts (2 of 4 stars). 4 submissions from 4 submitters: Pathogenic (3); Likely pathogenic (1). Last evaluated 2025-08-03.

Conditions:
Meckel-Gruber syndrome. Also called: Dysencephalia splachnocystica; DYSENCEPHALIA SPLANCHNOCYSTICA; GRUBER SYNDROME. Identifiers: Orphanet 564, MedGen C0265215, MONDO:0018921.
Joubert syndrome. Also called: Familial aplasia of the vermis; CEREBELLOPARENCHYMAL DISORDER IV; JOUBERT-BOLTSHAUSER SYNDROME. Identifiers: Orphanet 475, MedGen C5979921, MONDO:0018772.
Joubert syndrome 7 (JBTS7). Identifiers: Orphanet 220497, MedGen C1969053, MONDO:0012694, OMIM 611560.
Meckel syndrome, type 5 (MKS5). Identifiers: Orphanet 564, MedGen C1969052, MONDO:0012695, OMIM 611561.
COACH syndrome 3. Identifiers: MedGen C5436841, MONDO:0030862, OMIM 619113.

Allele frequency attached by ClinVar (database versions not stated): gnomAD exomes 0.00002.

Submissions (4):

Natera, Inc.
Classification: Pathogenic for Joubert syndrome. Last evaluated: 2025-08-03. Review status: criteria provided, single submitter. Criteria: Natera Variant Classification Schema (03/2026). Collection method: clinical testing. Allele origin: germline.
Comment: The c.1329dupA variant in RPGRIP1L is a frameshift variant predicted to shift the reading frame beginning at codon 444 and leads to a stop codon 10 codons downstream. This variant is expected to result in nonsense mediated decay, truncation, or a dysfunctional protein product. This variant is rare in the general population with a frequency below the threshold expected for the associated phenotype(s). This variant has been observed in one or more individuals affected with the associated recessive disease, as either homozygous or compound heterozygous with a second variant (PMID: 31738409). Given the available evidence, this variant is classified as Pathogenic.

Labcorp Genetics (formerly Invitae), Labcorp
Classification: Pathogenic for Joubert syndrome; Meckel-Gruber syndrome. Last evaluated: 2024-08-21. Review status: criteria provided, single submitter. Criteria: Invitae Variant Classification Sherloc (09022015). Collection method: clinical testing. Allele origin: germline.
Comment: This sequence change creates a premature translational stop signal (p.Arg444Thrfs*10) in the RPGRIP1L gene. It is expected to result in an absent or disrupted protein product. Loss-of-function variants in RPGRIP1L are known to be pathogenic (PMID: 17558409). This variant is not present in population databases (gnomAD no frequency). This variant has not been reported in the literature in individuals affected with RPGRIP1L-related conditions. ClinVar contains an entry for this variant (Variation ID: 569914). For these reasons, this variant has been classified as Pathogenic.

Fulgent Genetics
Classification: Likely pathogenic for Joubert syndrome 7; Meckel syndrome, type 5; COACH syndrome 3. Last evaluated: 2021-07-13. Review status: criteria provided, single submitter. Criteria: ACMG Guidelines, 2015. Collection method: clinical testing. Allele origin: unknown.

Eurofins Ntd Llc (ga)
Classification: Pathogenic. Last evaluated: 2017-07-19. Review status: criteria provided, single submitter. Criteria: EGL Classification Definitions 2015. Collection method: clinical testing. Allele origin: germline. Observed: 1 variant allele, 1 heterozygote.

Literature cited by the submitters: PubMed 31738409 (cited by Natera, Inc.); PubMed 17558409 (cited by Labcorp Genetics (formerly Invitae), Labcorp).